The following is an entry in ClinVar:

ClinVar aggregate classification (germline): Uncertain significance. Review status: criteria provided, multiple submitters, no conflicts (2 of 4 stars). 2 submissions from 2 submitters: Uncertain significance (2). Last evaluated 2023-10-02.

Conditions:
Basal cell carcinoma, susceptibility to, 1. Also called: BCC1. Identifiers: MedGen C2751544, MONDO:0011556, OMIM 605462.
Gorlin syndrome. Also called: Basal cell nevus syndrome; Nevoid Basal Cell Carcinoma Syndrome. Identifiers: Orphanet 377, MedGen C0004779, MONDO:0007187.

Submissions (2):

Baylor Genetics
Classification: Uncertain significance for Basal cell carcinoma, susceptibility to, 1. Last evaluated: 2023-10-02. Review status: criteria provided, single submitter. Criteria: ACMG Guidelines, 2015. Collection method: clinical testing. Allele origin: unknown.

Labcorp Genetics (formerly Invitae), Labcorp
Classification: Uncertain significance for Gorlin syndrome. Last evaluated: 2020-09-08. Review status: criteria provided, single submitter. Criteria: Invitae Variant Classification Sherloc (09022015). Collection method: clinical testing. Allele origin: germline.
Comment: This sequence change replaces valine with methionine at codon 1155 of the PTCH1 protein (p.Val1155Met). The valine residue is moderately conserved and there is a small physicochemical difference between valine and methionine. This variant is not present in population databases (ExAC no frequency). This variant has not been reported in the literature in individuals with PTCH1-related conditions. Algorithms developed to predict the effect of missense changes on protein structure and function are either unavailable or do not agree on the potential impact of this missense change (SIFT: "Tolerated"; PolyPhen-2: "Probably Damaging"; Align-GVGD: "Class C0"). In summary, the available evidence is currently insufficient to determine the role of this variant in disease. Therefore, it has been classified as a Variant of Uncertain Significance.

NM_000264.5(PTCH1):c.3463G>A (p.Val1155Met)

Gene: PTCH1 (patched 1; minus strand). Cytogenetic location: 9q22.32.
Variant type: single nucleotide variant.
Coding change: c.3463G>A on transcript NM_000264.5 (MANE Select); coding-DNA position 3463, G replaced by A.
Protein change: p.Val1155Met; replaces valine 1155 with methionine.
Molecular consequence: missense variant. On other transcripts: non-coding transcript variant (1).
Genome position (GRCh38, 1-based): chr9:95,449,927, C>T on the plus strand (G>A on the coding strand, the complement: PTCH1 is on the minus strand). VCF-style: chr9-95449927-C-T. GRCh37 (hg19) VCF-style: chr9-98212209-C-T.
Other names: c.3265G>A, p.Val1089Met (NM_001083602.3); c.3460G>A, p.Val1154Met (NM_001083603.3); c.3010G>A, p.Val1004Met (NM_001083604.3, NM_001083605.3, NM_001083606.3 and 1 more transcripts); c.3307G>A, p.Val1103Met (NM_001354918.2); short protein forms V1004M, V1089M, V1103M, V1154M, V1155M.
Identifiers: ClinVar variation 1058007 (VCV001058007.10), dbSNP rs1588519562, ClinGen allele CA374111604.
Genomic context (GRCh38, chr9:95,449,927, plus strand): 5'-AAAGCACGGGAAGCAAAACCAGCCCATTGAGAACGCCGAGGATGGTGAGGATCGCCAGCA[C>T]AGCAAAGAAATACCTGGGAGATCAAGAGGAAACGGGAACACGCGCTGTGACAGGGTGGAT-3'
Protein context (NP_000255.2, residues 1145-1165): FDFIVRYFFA[Val1155Met]LAILTILGVL